The following is an entry in ClinVar:

ClinVar aggregate classification (germline): Uncertain significance. Review status: criteria provided, multiple submitters, no conflicts (2 of 4 stars). 3 submissions from 3 submitters: Uncertain significance (3). Last evaluated 2026-01-28.

Conditions:
Cardiovascular phenotype. Identifiers: MedGen CN230736.
Hereditary cancer-predisposing syndrome. Also called: Hereditary neoplastic syndrome; Neoplastic Syndromes, Hereditary; Tumor predisposition; Hereditary Cancer Syndrome. Identifiers: Orphanet 140162, MedGen C0027672, MeSH D009386, MONDO:0015356.
Neurofibromatosis, type 1 (NF1). Also called: VON RECKLINGHAUSEN DISEASE; Peripheral type neurofibromatosis; NEUROFIBROMATOSIS, TYPE I, SOMATIC; Neurofibromatosis, type I. Identifiers: Orphanet 636, MedGen C0027831, MONDO:0018975, OMIM 162200. Disease mechanism: loss of function.

Allele frequency attached by ClinVar (database versions not stated): TOPMed 0.00001.

Submissions (3):

Labcorp Genetics (formerly Invitae), Labcorp
Classification: Uncertain significance for Neurofibromatosis, type 1. Last evaluated: 2026-01-28. Review status: criteria provided, single submitter. Criteria: Invitae Variant Classification Sherloc (09022015). Collection method: clinical testing. Allele origin: germline.
Comment: This sequence change replaces threonine, which is neutral and polar, with isoleucine, which is neutral and non-polar, at codon 36 of the NF1 protein (p.Thr36Ile). This variant is present in population databases (no rsID available, gnomAD 0.002%). This variant has not been reported in the literature in individuals affected with NF1-related conditions. ClinVar contains an entry for this variant (Variation ID: 481973). Invitae Evidence Modeling of protein sequence and biophysical properties (such as structural, functional, and spatial information, amino acid conservation, physicochemical variation, residue mobility, and thermodynamic stability) indicates that this missense variant is not expected to disrupt NF1 protein function with a negative predictive value of 95%. In summary, the available evidence is currently insufficient to determine the role of this variant in disease. Therefore, it has been classified as a Variant of Uncertain Significance.

Ambry Genetics
Classification: Uncertain significance for Cardiovascular phenotype; Hereditary cancer-predisposing syndrome. Last evaluated: 2025-08-05. Review status: criteria provided, single submitter. Criteria: Ambry Variant Classification Scheme 2023. Collection method: clinical testing. Allele origin: germline.
Comment: The p.T36I variant (also known as c.107C>T), located in coding exon 2 of the NF1 gene, results from a C to T substitution at nucleotide position 107. The threonine at codon 36 is replaced by isoleucine, an amino acid with similar properties. This amino acid position is highly conserved in available vertebrate species. In addition, this alteration is predicted to be tolerated by in silico analysis. Since supporting evidence is limited at this time, the clinical significance of this alteration remains unclear.

Genome-Nilou Lab
Classification: Uncertain significance for Neurofibromatosis, type 1. Last evaluated: 2022-03-15. Review status: criteria provided, single submitter. Criteria: ACMG Guidelines, 2015. Collection method: clinical testing. Allele origin: germline. Affected: no.

NM_001042492.3(NF1):c.107C>T (p.Thr36Ile)

Gene: NF1 (neurofibromin 1; plus strand). Cytogenetic location: 17q11.2.
Variant type: single nucleotide variant.
Coding change: c.107C>T on transcript NM_001042492.3 (MANE Select); coding-DNA position 107, C replaced by T.
Protein change: p.Thr36Ile; replaces threonine 36 with isoleucine.
Molecular consequence: missense variant.
Genome position (GRCh38, 1-based): chr17:31,156,029, C>T. VCF-style: chr17-31156029-C-T. GRCh37 (hg19) VCF-style: chr17-29483047-C-T.
Other names: c.107C>T, p.Thr36Ile (NM_000267.4, NM_001128147.3); short protein forms T36I.
Identifiers: ClinVar variation 481973 (VCV000481973.15), dbSNP rs199966218, ClinGen allele CA398988272.